The following is an entry in ClinVar:

NM_018100.4(EFHC1):c.1055G>A (p.Arg352Gln)

Gene: EFHC1 (EF-hand domain containing 1; plus strand). Cytogenetic location: 6p12.2.
Variant type: single nucleotide variant.
Coding change: c.1055G>A on transcript NM_018100.4 (MANE Select); coding-DNA position 1055, G replaced by A.
Protein change: p.Arg352Gln; replaces arginine 352 with glutamine.
Molecular consequence: missense variant. On other transcripts: non-coding transcript variant (1).
Genome position (GRCh38, 1-based): chr6:52,465,033, G>A. VCF-style: chr6-52465033-G-A. GRCh37 (hg19) VCF-style: chr6-52329831-G-A.
Other names: c.998G>A, p.Arg333Gln (NM_001172420.2); short protein forms R333Q, R352Q.
Identifiers: ClinVar variation 1004112 (VCV001004112.48), dbSNP rs769745156, ClinGen allele CA3855975.

ClinVar aggregate classification (germline): Uncertain significance (1 of 4 stars; one submission).

Conditions:
Absence seizure. Also called: Absence epilepsy. Identifiers: Orphanet 1941, MedGen C0014553.
Myoclonic epilepsy, juvenile, susceptibility to, 1. Also called: Myoclonic Epilepsy, Juvenile, 1; EJM1. Identifiers: MedGen C1850778, MONDO:0020752, OMIM 254770.

Allele frequency attached by ClinVar (database versions not stated): gnomAD exomes below 0.00001 and 0.00001; TOPMed below 0.00001; ExAC 0.00001; gnomAD 0.00001.
gnomAD v4.1: 5 of 1,613,902 alleles (0.00031%); highest among the groups gnomAD compares: Middle Eastern, 0.016%; no homozygotes.

Submission:

Labcorp Genetics (formerly Invitae), Labcorp
Classification: Uncertain significance for Myoclonic epilepsy, juvenile, susceptibility to, 1; Absence seizure. Last evaluated: 2022-08-16. Review status: criteria provided, single submitter. Criteria: Invitae Variant Classification Sherloc (09022015). Collection method: clinical testing. Allele origin: germline.
Comment: In summary, the available evidence is currently insufficient to determine the role of this variant in disease. Therefore, it has been classified as a Variant of Uncertain Significance. Algorithms developed to predict the effect of missense changes on protein structure and function are either unavailable or do not agree on the potential impact of this missense change (SIFT: "Deleterious"; PolyPhen-2: "Benign"; Align-GVGD: "Class C0"). ClinVar contains an entry for this variant (Variation ID: 1004112). This variant has not been reported in the literature in individuals affected with EFHC1-related conditions. This variant is present in population databases (rs769745156, gnomAD 0.002%). This sequence change replaces arginine, which is basic and polar, with glutamine, which is neutral and polar, at codon 352 of the EFHC1 protein (p.Arg352Gln).